The following is an entry in ClinVar:

ClinVar aggregate classification (germline): Uncertain significance. Review status: criteria provided, multiple submitters, no conflicts (2 of 4 stars). 6 submissions from 6 submitters: Uncertain significance (5). 1 of the submissions does not count toward it. Last evaluated 2026-05-26.

Conditions:
ATM-related disorder. Also called: ATM-related disorders; ATM-related condition.
Hereditary cancer-predisposing syndrome. Also called: Neoplastic Syndromes, Hereditary; Hereditary neoplastic syndrome; Tumor predisposition; Hereditary Cancer Syndrome. Identifiers: Orphanet 140162, MedGen C0027672, MeSH D009386, MONDO:0015356.
Ataxia-telangiectasia syndrome (AT). Also called: Ataxia telangiectasia (A-T); Cerebello-oculocutaneous telangiectasia; Immunodeficiency with ataxia telangiectasia; LOUIS-BAR SYNDROME; AT, COMPLEMENTATION GROUP C; ATAXIA-TELANGIECTASIA, FRESNO VARIANT. Identifiers: Orphanet 100, MedGen C0004135, MONDO:0008840, OMIM 208900.

Allele frequency attached by ClinVar (database versions not stated): TOPMed below 0.00001; gnomAD 0.00001.
gnomAD v4.1: 1 of 1,613,816 alleles (0.000062%); highest among the groups gnomAD compares: Non-Finnish European, 0.000085%; no homozygotes.

Submissions (6):

PreventionGenetics, part of Exact Sciences
Classification: Uncertain significance for ATM-related condition. Last evaluated: 2026-05-26. Review status: criteria provided, single submitter. Criteria: ACMG Guidelines, 2015. Collection method: clinical testing. Allele origin: germline.
Comment: The ATM c.8400G>C variant is predicted to result in the amino acid substitution p.Gln2800His. To our knowledge, this variant has not been reported in the literature or in a large population database (gnomAD), indicating this variant is rare. This variant is interpreted as a variant of uncertain significance in ClinVar (Variation ID: 245689). At this time, the clinical significance of this variant is uncertain due to the absence of conclusive functional and genetic evidence.

Labcorp Genetics (formerly Invitae), Labcorp
Classification: Uncertain significance for Ataxia-telangiectasia syndrome. Last evaluated: 2024-07-23. Review status: criteria provided, single submitter. Criteria: Invitae Variant Classification Sherloc (09022015). Collection method: clinical testing. Allele origin: germline.
Comment: This sequence change replaces glutamine, which is neutral and polar, with histidine, which is basic and polar, at codon 2800 of the ATM protein (p.Gln2800His). This variant is not present in population databases (gnomAD no frequency). This variant has not been reported in the literature in individuals affected with ATM-related conditions. ClinVar contains an entry for this variant (Variation ID: 245689). An algorithm developed to predict the effect of missense changes on protein structure and function outputs the following: PolyPhen-2: "Benign". The histidine amino acid residue is found in multiple mammalian species, which suggests that this missense change does not adversely affect protein function. In summary, the available evidence is currently insufficient to determine the role of this variant in disease. Therefore, it has been classified as a Variant of Uncertain Significance.

Color Diagnostics, LLC DBA Color Health
Classification: Uncertain significance for Hereditary cancer-predisposing syndrome. Last evaluated: 2024-03-06. Review status: criteria provided, single submitter. Criteria: ACMG Guidelines, 2015. Collection method: clinical testing. Allele origin: germline.
Comment: This missense variant replaces glutamine with histidine at codon 2800 of the ATM protein. Computational prediction suggests that this variant may not impact protein structure and function (internally defined REVEL score threshold <= 0.5, PMID: 27666373). Splice site prediction tools suggest that this variant may not impact RNA splicing. To our knowledge, functional studies have not been reported for this variant. This variant has not been reported in individuals affected with hereditary cancer in the literature. This variant has not been identified in the general population by the Genome Aggregation Database (gnomAD). The available evidence is insufficient to determine the role of this variant in disease conclusively. Therefore, this variant is classified as a Variant of Uncertain Significance.

Ambry Genetics
Classification: Uncertain significance for Hereditary cancer-predisposing syndrome. Last evaluated: 2023-09-23. Review status: criteria provided, single submitter. Criteria: Ambry Variant Classification Scheme 2023. Collection method: clinical testing. Allele origin: germline.
Comment: The p.Q2800H variant (also known as c.8400G>C), located in coding exon 56 of the ATM gene, results from a G to C substitution at nucleotide position 8400. The glutamine at codon 2800 is replaced by histidine, an amino acid with highly similar properties. This amino acid position is not well conserved in available vertebrate species. In addition, this alteration is predicted to be tolerated by in silico analysis. Since supporting evidence is limited at this time, the clinical significance of this alteration remains unclear.

GeneDx
Classification: Uncertain significance. Last evaluated: 2015-10-29. Review status: criteria provided, single submitter. Criteria: GeneDx Variant Classification (06012015). Collection method: clinical testing. Allele origin: germline. Affected: yes.
Comment: This variant is denoted ATM c.8400G>C at the cDNA level, p.Gln2800His (Q2800H) at the protein level, and results in the change of a Glutamine to a Histidine (CAG>CAC). This variant has not, to our knowledge, been published in the literature as pathogenic or benign. This variant was not observed in approximately 6,500 individuals of European and African American ancestry in the NHLBI Exome Sequencing Project, suggesting it is not a common benign variant in these populations. Since Glutamine and Histidine differ is some properties, this is considered a semi-conservative amino acid substitution. ATM Gln2800His occurs at a position that is conserved in mammals and is located in the PI3K/PI4K and Kinase domains (Tavtigian 2009, Stracker 2013, Uniprot). In silico analyses are inconsistent regarding the effect this variant may have on protein structure and function. Based on currently available evidence, it is unclear whether ATM Gln2800His is a pathogenic or benign variant. We consider it to be a variant of uncertain significance.

Natera, Inc.
Classification: Uncertain significance for Ataxia-telangiectasia. Last evaluated: 2020-12-04. Review status: no assertion criteria provided. Collection method: clinical testing. Allele origin: germline. Not counted in ClinVar's aggregate classification.

NM_000051.4(ATM):c.8400G>C (p.Gln2800His)

Genes: ATM (ATM serine/threonine kinase; plus strand), C11orf65 (chromosome 11 open reading frame 65; minus strand). Cytogenetic location: 11q22.3.
Variant type: single nucleotide variant.
Coding change: c.8400G>C on transcript NM_000051.4 (MANE Select); coding-DNA position 8400, G replaced by C.
Protein change: p.Gln2800His; replaces glutamine 2800 with histidine.
Molecular consequence: missense variant. On other transcripts: intron variant (2).
Genome position (GRCh38, 1-based): chr11:108,343,353, G>C. VCF-style: chr11-108343353-G-C. GRCh37 (hg19) VCF-style: chr11-108214080-G-C.
Other names: c.8400G>C, p.Gln2800His (NM_001351834.2); c.641-34282C>G (NM_001330368.2); c.695-8061C>G (NM_001351110.2); short protein forms Q2800H.
Identifiers: ClinVar variation 245689 (VCV000245689.30), dbSNP rs879253901, ClinGen allele CA10584376.
Genomic context (GRCh38, chr11:108,343,353, plus strand): 5'-TGTTAACAATGAAGATGGTGCTCATAAAAGATACAGGCCAAATGATTTCAGTGCCTTTCA[G>C]TGCCAAAAGAAAATGATGGTGAGTGACACCCAAAATTAAAGGTTATTGTAAGATTATTTA-3'
Protein context (NP_000042.3, residues 2790-2810): RYRPNDFSAF[Gln2800His]CQKKMMEVQK